The following is an entry in ClinVar:

ClinVar aggregate classification (germline): Uncertain significance (1 of 4 stars; one submission).

Conditions:
RYR1-related disorder. Also called: RYR1-related condition; RYR1-related disorders. Identifiers: MedGen CN239331.

gnomAD v4.1: 1 of 1,614,186 alleles (0.000062%); highest among the groups gnomAD compares: Non-Finnish European, 0.000085%; no homozygotes.

Submission:

Labcorp Genetics (formerly Invitae), Labcorp
Classification: Uncertain significance for RYR1-related disorder. Last evaluated: 2022-10-17. Review status: criteria provided, single submitter. Criteria: Invitae Variant Classification Sherloc (09022015). Collection method: clinical testing. Allele origin: germline.
Comment: Variants that disrupt the consensus splice site are a relatively common cause of aberrant splicing (PMID: 17576681, 9536098). Algorithms developed to predict the effect of sequence changes on RNA splicing suggest that this variant may create or strengthen a splice site. Algorithms developed to predict the effect of missense changes on protein structure and function are either unavailable or do not agree on the potential impact of this missense change (SIFT: "Deleterious"; PolyPhen-2: "Possibly Damaging"; Align-GVGD: "Class C0"). This variant has not been reported in the literature in individuals affected with RYR1-related conditions. This variant is not present in population databases (gnomAD no frequency). This sequence change replaces glycine, which is neutral and non-polar, with arginine, which is basic and polar, at codon 2343 of the RYR1 protein (p.Gly2343Arg). This variant also falls at the last nucleotide of exon 43, which is part of the consensus splice site for this exon. In summary, the available evidence is currently insufficient to determine the role of this variant in disease. Therefore, it has been classified as a Variant of Uncertain Significance.

Literature cited by the submitters: PubMed 17576681; PubMed 9536098.

NM_000540.3(RYR1):c.7027G>C (p.Gly2343Arg)

Gene: RYR1 (ryanodine receptor 1; plus strand). Cytogenetic location: 19q13.2.
Variant type: single nucleotide variant.
Coding change: c.7027G>C on transcript NM_000540.3 (MANE Select); coding-DNA position 7027, G replaced by C.
Protein change: p.Gly2343Arg; replaces glycine 2343 with arginine.
Molecular consequence: missense variant.
Genome position (GRCh38, 1-based): chr19:38,499,243, G>C. VCF-style: chr19-38499243-G-C. GRCh37 (hg19) VCF-style: chr19-38989883-G-C.
Other names: c.7027G>C, p.Gly2343Arg (NM_001042723.2); short protein forms G2343R.
Identifiers: ClinVar variation 2029987 (VCV002029987.4), dbSNP rs536596969, ClinGen allele CA405667522.
Genomic context (GRCh38, chr19:38,499,243, plus strand): 5'-TGGAACCCCTGTGGTGGAGAGCGCTACCTGGACTTCCTGCGCTTTGCTGTCTTCGTCAAC[G>C]GTGAGGAGGGGGTGGCAGTGGCAGAGCGGGAAGTATGGAGTCACTGGTCACACACCTCCC-3'
Protein context (NP_000531.2, residues 2333-2353): DFLRFAVFVN[Gly2343Arg]ESVEENANVV